The following is an entry in ClinVar:

ClinVar aggregate classification (germline): Uncertain significance (1 of 4 stars; one submission).

Submission:

Labcorp Genetics (formerly Invitae), Labcorp
Classification: Uncertain significance. Last evaluated: 2022-06-22. Review status: criteria provided, single submitter. Criteria: Invitae Variant Classification Sherloc (09022015). Collection method: clinical testing. Allele origin: germline.
Comment: In summary, the available evidence is currently insufficient to determine the role of this variant in disease. Therefore, it has been classified as a Variant of Uncertain Significance. Algorithms developed to predict the effect of missense changes on protein structure and function are either unavailable or do not agree on the potential impact of this missense change (SIFT: "Not Available"; PolyPhen-2: "Benign"; Align-GVGD: "Not Available"). This variant has not been reported in the literature in individuals affected with LCT-related conditions. This variant is not present in population databases (gnomAD no frequency). This sequence change replaces methionine, which is neutral and non-polar, with valine, which is neutral and non-polar, at codon 492 of the LCT protein (p.Met492Val).

NM_002299.4(LCT):c.1474A>G (p.Met492Val)

Genes: LCT (lactase; minus strand), LOC126806353 (BRD4-independent group 4 enhancer GRCh37_chr2:136574960-136576159; plus strand). Cytogenetic location: 2q21.3.
Variant type: single nucleotide variant.
Coding change: c.1474A>G on transcript NM_002299.4 (MANE Select); coding-DNA position 1474, A replaced by G.
Protein change: p.Met492Val; replaces methionine 492 with valine.
Molecular consequence: missense variant.
Genome position (GRCh38, 1-based): chr2:135,817,574, T>C on the plus strand (A>G on the coding strand, the complement: LCT is on the minus strand). VCF-style: chr2-135817574-T-C. GRCh37 (hg19) VCF-style: chr2-136575144-T-C.
Other names: short protein forms M492V.
Identifiers: ClinVar variation 2008900 (VCV002008900.4), dbSNP rs2467231241, ClinGen allele CA348606097.